The following is an entry in ClinVar:

NM_022356.4(P3H1):c.768C>G (p.Asn256Lys)

Gene: P3H1 (prolyl 3-hydroxylase 1; minus strand). Cytogenetic location: 1p34.2.
Variant type: single nucleotide variant.
Coding change: c.768C>G on transcript NM_022356.4 (MANE Select); coding-DNA position 768, C replaced by G.
Protein change: p.Asn256Lys; replaces asparagine 256 with lysine.
Molecular consequence: missense variant.
Genome position (GRCh38, 1-based): chr1:42,759,241, G>C on the plus strand (C>G on the coding strand, the complement: P3H1 is on the minus strand). VCF-style: chr1-42759241-G-C. GRCh37 (hg19) VCF-style: chr1-43224912-G-C.
Other names: c.768C>G, p.Asn256Lys (NM_001146289.2, NM_001243246.2); short protein forms N256K.
Identifiers: ClinVar variation 4706440 (VCV004706440.1).

ClinVar aggregate classification (germline): Uncertain significance (1 of 4 stars; one submission).

Conditions:
Osteogenesis imperfecta type 8 (OI8). Identifiers: MedGen C1970458, MONDO:0012581, OMIM 610915.

gnomAD v4.1: 3 of 1,614,078 alleles (0.00019%); highest among the groups gnomAD compares: Non-Finnish European, 0.00017%; no homozygotes.

Submission:

Labcorp Genetics (formerly Invitae), Labcorp
Classification: Uncertain significance for Osteogenesis imperfecta type 8. Last evaluated: 2026-01-01. Review status: criteria provided, single submitter. Criteria: Invitae Variant Classification Sherloc (09022015). Collection method: clinical testing. Allele origin: germline.
Comment: This sequence change replaces asparagine, which is neutral and polar, with lysine, which is basic and polar, at codon 256 of the P3H1 protein (p.Asn256Lys). This variant is present in population databases (no rsID available, gnomAD no frequency). This variant has not been reported in the literature in individuals affected with P3H1-related conditions. Invitae Evidence Modeling of protein sequence and biophysical properties (such as structural, functional, and spatial information, amino acid conservation, physicochemical variation, residue mobility, and thermodynamic stability) indicates that this missense variant is not expected to disrupt P3H1 protein function with a negative predictive value of 80%. In summary, the available evidence is currently insufficient to determine the role of this variant in disease. Therefore, it has been classified as a Variant of Uncertain Significance.